The following is an entry in ClinVar:

NM_018474.6(KIZ):c.416_417delinsGG (p.His139Arg)

Gene: KIZ (kizuna centrosomal protein; plus strand). Cytogenetic location: 20p11.23.
Variant type: Indel.
Coding change: c.416_417delinsGG on transcript NM_018474.6 (MANE Select); coding-DNA positions 416 to 417, AC replaced by GG.
Protein change: p.His139Arg; replaces histidine 139 with arginine.
Molecular consequence: missense variant.
Genome position (GRCh38, 1-based): chr20:21,161,881-21,161,882, AC replaced by GG. VCF-style: chr20-21161881-AC-GG. GRCh37 (hg19) VCF-style: chr20-21142522-AC-GG.
Other names: c.107_108delinsGG, p.His36Arg (NM_001163022.3, NM_001352435.2); c.17_18delinsGG, p.His6Arg (NM_001163023.3); c.269_270delinsGG, p.His90Arg (NM_001276389.2); c.416_417delinsGG, p.His139Arg (NM_001352434.2); c.74_75delinsGG, p.His25Arg (NM_001352436.2); short protein forms H139R, H36R, H90R, H25R, H6R.
Identifiers: ClinVar variation 958276 (VCV000958276.6), dbSNP rs2033676573, ClinGen allele CA1139666665.

ClinVar aggregate classification (germline): Uncertain significance (1 of 4 stars; one submission).

Submission:

Labcorp Genetics (formerly Invitae), Labcorp
Classification: Uncertain significance. Last evaluated: 2019-08-22. Review status: criteria provided, single submitter. Criteria: Invitae Variant Classification Sherloc (09022015). Collection method: clinical testing. Allele origin: germline.
Comment: In summary, the available evidence is currently insufficient to determine the role of this variant in disease. Therefore, it has been classified as a Variant of Uncertain Significance. Algorithms developed to predict the effect of missense changes on protein structure and function (SIFT, PolyPhen-2, Align-GVGD) all suggest that this variant is likely to be tolerated, but these predictions have not been confirmed by published functional studies and their clinical significance is uncertain. This variant has not been reported in the literature in individuals with KIZ-related conditions. This variant is not present in population databases (ExAC no frequency). This sequence change replaces histidine with arginine at codon 139 of the KIZ protein (p.His139Arg). The histidine residue is weakly conserved and there is a small physicochemical difference between histidine and arginine.